The following is an entry in ClinVar:

NM_000051.4(ATM):c.5634G>C (p.Ser1878=)

Gene: ATM (ATM serine/threonine kinase; plus strand). Cytogenetic location: 11q22.3.
Variant type: single nucleotide variant.
Coding change: c.5634G>C on transcript NM_000051.4 (MANE Select); coding-DNA position 5634, G replaced by C.
Protein change: p.Ser1878=; no amino-acid change (serine 1878 retained).
Molecular consequence: synonymous variant.
Genome position (GRCh38, 1-based): chr11:108,304,812, G>C. VCF-style: chr11-108304812-G-C. GRCh37 (hg19) VCF-style: chr11-108175539-G-C.
Other names: c.5634G>C, p.Ser1878= (NM_001351834.2).
Identifiers: ClinVar variation 3254194 (VCV003254194.1), dbSNP rs767070325.

ClinVar aggregate classification (germline): Benign (1 of 4 stars; one submission).

Conditions:
Familial cancer of breast. Also called: BREAST CANCER, FAMILIAL; Hereditary breast cancer; hereditary breast carcinoma. Identifiers: Orphanet 227535, MedGen C0346153, MONDO:0016419, OMIM 114480. Disease mechanism: loss of function.

Submission:

Myriad Genetics, Inc.
Classification: Benign for Familial cancer of breast. Last evaluated: 2024-05-23. Review status: criteria provided, single submitter. Criteria: Myriad Autosomal Dominant, Autosomal Recessive and X-Linked Classification Criteria (2023). Collection method: clinical testing. Allele origin: unknown.
Comment: This variant is considered benign. This variant is a silent/synonymous amino acid change and it is not expected to impact splicing.